The following is an entry in ClinVar:

NM_032888.4(COL27A1):c.2124G>T (p.Lys708Asn)

Gene: COL27A1 (collagen type XXVII alpha 1 chain; plus strand). Cytogenetic location: 9q32.
Variant type: single nucleotide variant.
Coding change: c.2124G>T on transcript NM_032888.4 (MANE Select); coding-DNA position 2124, G replaced by T.
Protein change: p.Lys708Asn; replaces lysine 708 with asparagine.
Molecular consequence: missense variant.
Genome position (GRCh38, 1-based): chr9:114,196,012, G>T. VCF-style: chr9-114196012-G-T. GRCh37 (hg19) VCF-style: chr9-116958292-G-T.
Other names: short protein forms K708N.
Identifiers: ClinVar variation 4688227 (VCV004688227.1).
Genomic context (GRCh38, chr9:114,196,012, plus strand): 5'-CTTCCAGGGTGACATGGGCTTGCCTGGGCTCTCCGGGAATCCAGGACCTCCGGGACGAAA[G>T]GTACTGTTTGGTTTTGATGCTTTGCCTTGCGCAGTGGGCCTCCTAGCAAGCCAGGTCTTC-3'
Protein context (NP_116277.2, residues 698-718): LSGNPGPPGR[Lys708Asn]GHKGYPGPAG

ClinVar aggregate classification (germline): Uncertain significance (1 of 4 stars; one submission).

Submission:

Women's Health and Genetics/Laboratory Corporation of America, LabCorp
Classification: Uncertain significance. Last evaluated: 2025-12-18. Review status: criteria provided, single submitter. Criteria: LabCorp Variant Classification Summary - May 2015. Collection method: clinical testing. Allele origin: germline.
Comment: Variant summary: COL27A1 c.2124G>T (p.Lys708Asn) results in a non-conservative amino acid change in the encoded protein sequence. Algorithms developed to predict the effect of missense changes on protein structure and function all suggest that this variant is likely to be disruptive. The variant affects the last nucleotide of exon 7, therefore might affect splicing. Several computational tools predict a significant impact on normal splicing: three predict the variant abolishes the neighboring 5' splicing donor site, while one predicts the variant severely weakens the 5' donor site. However, these predictions have yet to be confirmed by functional studies. The variant was absent in 251390 control chromosomes (gnomAD). The available data on variant occurrences in the general population are insufficient to allow any conclusion about variant significance. To our knowledge, no occurrence of c.2124G>T in individuals affected with COL27A1-related conditions and no experimental evidence demonstrating its impact on protein function have been reported. No submitters have cited clinical-significance assessments for this variant to ClinVar. Based on the evidence outlined above, the variant was classified as uncertain significance.